The following is an entry in ClinVar:

NM_015214.3(DDHD2):c.1250C>A (p.Ala417Asp)

Gene: DDHD2 (DDHD domain containing 2; plus strand). Cytogenetic location: 8p11.23.
Variant type: single nucleotide variant.
Coding change: c.1250C>A on transcript NM_015214.3 (MANE Select); coding-DNA position 1250, C replaced by A.
Protein change: p.Ala417Asp; replaces alanine 417 with aspartic acid.
Molecular consequence: missense variant. On other transcripts: non-coding transcript variant (2).
Genome position (GRCh38, 1-based): chr8:38,249,709, C>A. VCF-style: chr8-38249709-C-A. GRCh37 (hg19) VCF-style: chr8-38107227-C-A.
Other names: c.1250C>A, p.Ala417Asp (NM_001164232.2, NM_001362911.2, NM_001362912.2 and 1 more transcripts); c.1160C>A, p.Ala387Asp (NM_001362913.2); short protein forms A417D, A387D.
Identifiers: ClinVar variation 570162 (VCV000570162.6), dbSNP rs376393703, ClinGen allele CA4716200.

ClinVar aggregate classification (germline): Uncertain significance (1 of 4 stars; one submission).

Conditions:
Hereditary spastic paraplegia 54. Also called: Spastic paraplegia 54, autosomal recessive. Identifiers: Orphanet 320380, MedGen C3539495, MONDO:0014018, OMIM 615033.

Allele frequency attached by ClinVar (database versions not stated): TOPMed below 0.00001; ExAC 0.00001; gnomAD 0.00001; ESP Exome Variant Server 0.00008.
gnomAD v4.1: 11 of 1,603,670 alleles (0.00069%); highest among the groups gnomAD compares: Non-Finnish European, 0.00085%; no homozygotes.

Submission:

Labcorp Genetics (formerly Invitae), Labcorp
Classification: Uncertain significance for Hereditary spastic paraplegia 54. Last evaluated: 2024-02-24. Review status: criteria provided, single submitter. Criteria: Invitae Variant Classification Sherloc (09022015). Collection method: clinical testing. Allele origin: germline.
Comment: This sequence change replaces alanine, which is neutral and non-polar, with aspartic acid, which is acidic and polar, at codon 417 of the DDHD2 protein (p.Ala417Asp). This variant is not present in population databases (gnomAD no frequency). This variant has not been reported in the literature in individuals affected with DDHD2-related conditions. ClinVar contains an entry for this variant (Variation ID: 570162). An algorithm developed to predict the effect of missense changes on protein structure and function (PolyPhen-2) suggests that this variant is likely to be disruptive. In summary, the available evidence is currently insufficient to determine the role of this variant in disease. Therefore, it has been classified as a Variant of Uncertain Significance.